The following is an entry in ClinVar:

NM_000080.4(CHRNE):c.1121C>A (p.Ser374Ter)

Gene: CHRNE (cholinergic receptor nicotinic epsilon subunit; minus strand). Cytogenetic location: 17p13.2.
Variant type: single nucleotide variant.
Coding change: c.1121C>A on transcript NM_000080.4 (MANE Select); coding-DNA position 1121, C replaced by A.
Protein change: p.Ser374Ter; replaces serine 374 with a stop codon.
Molecular consequence: nonsense.
Genome position (GRCh38, 1-based): chr17:4,899,296, G>T on the plus strand (C>A on the coding strand, the complement: CHRNE is on the minus strand). VCF-style: chr17-4899296-G-T. GRCh37 (hg19) VCF-style: chr17-4802591-G-T.
Other names: short protein forms S374*.
Identifiers: ClinVar variation 1324079 (VCV001324079.9), dbSNP rs768869197, ClinGen allele CA8314009.

ClinVar aggregate classification (germline): Pathogenic/Likely pathogenic. Review status: criteria provided, multiple submitters, no conflicts (2 of 4 stars). 2 submissions from 2 submitters: Pathogenic (1); Likely pathogenic (1). Last evaluated 2022-11-15.

Conditions:
Congenital myasthenic syndrome 4A. Also called: Myasthenic syndrome, congenital, 4a, slow-channel; MYASTHENIC SYNDROME, CONGENITAL, 4A, SLOW-CHANNEL, AUTOSOMAL RECESSIVE; CONGENITAL MYASTHENIC SYNDROME TYPE Ia1. Identifiers: Orphanet 590, MedGen C4225413, MONDO:0011600, OMIM 605809.

Allele frequency attached by ClinVar (database versions not stated): ExAC 0.00001.
gnomAD v4.1: 4 of 1,594,420 alleles (0.00025%); highest among the groups gnomAD compares: South Asian, 0.0011%; no homozygotes.

Submissions (2):

Labcorp Genetics (formerly Invitae), Labcorp
Classification: Pathogenic for Congenital myasthenic syndrome 4A. Last evaluated: 2022-11-15. Review status: criteria provided, single submitter. Criteria: Invitae Variant Classification Sherloc (09022015). Collection method: clinical testing. Allele origin: germline.
Comment: This variant is not present in population databases (gnomAD no frequency). For these reasons, this variant has been classified as Pathogenic. ClinVar contains an entry for this variant (Variation ID: 1324079). This variant is also known as p.Ser354*. This premature translational stop signal has been observed in individual(s) with autosomal recessive congenital myasthenic syndrome (PMID: 22678886). This sequence change creates a premature translational stop signal (p.Ser374*) in the CHRNE gene. It is expected to result in an absent or disrupted protein product. Loss-of-function variants in CHRNE are known to be pathogenic (PMID: 22678886).

Revvity Omics, Revvity
Classification: Likely pathogenic. Last evaluated: 2021-11-10. Review status: criteria provided, single submitter. Criteria: ACMG Guidelines, 2015. Collection method: clinical testing. Allele origin: germline.

Literature cited by the submitters: PubMed 22678886 (cited by Labcorp Genetics (formerly Invitae), Labcorp).